The following is an entry in ClinVar:

NM_001377265.1(MAPT):c.*2806A>C

Gene: MAPT (microtubule associated protein tau). Cytogenetic location: 17q21.31.
Variant type: single nucleotide variant.
Coding change: c.*2806A>C on transcript NM_001377265.1 (MANE Select); 2806 bases downstream of the stop codon, A replaced by C.
Molecular consequence: 3 prime UTR variant. On other transcripts: non-coding transcript variant (1).
Genome position (GRCh38, 1-based): chr17:46,026,977, A>C. VCF-style: chr17-46026977-A-C. GRCh37 (hg19) VCF-style: chr17-44104343-A-C.
Other names: c.*2806A>C (NM_001123066.4, NM_001123067.4, NM_001203251.2 and 7 more transcripts); c.*1789A>C (NM_001377267.1).
Identifiers: ClinVar variation 323704 (VCV000323704.7), dbSNP rs2158257, ClinGen allele CA10645919.

ClinVar aggregate classification (germline): Benign. Review status: criteria provided, multiple submitters, no conflicts (2 of 4 stars). 2 submissions from 2 submitters: Benign (2). Last evaluated 2018-01-12.

Conditions:
MAPT-Related Spectrum Disorders.

Allele frequency attached by ClinVar (database versions not stated): gnomAD exomes 0.09524; gnomAD 0.14183 and 0.14473; TOPMed 0.14811; 1000 Genomes Project 30x 0.08542; 1000 Genomes Project 0.08626.
gnomAD v4.1: 21,779 of 152,102 alleles (14%); highest among the groups gnomAD compares: Non-Finnish European, 22%; 2,127 homozygotes.

Submissions (2):

Illumina Laboratory Services, Illumina
Classification: Benign for MAPT-Related Spectrum Disorders. Last evaluated: 2018-01-12. Review status: criteria provided, single submitter. Criteria: ICSL Variant Classification Criteria 13 December 2019. Collection method: clinical testing. Allele origin: germline.
Comment: This variant was observed in the ICSL laboratory as part of a predisposition screen in an ostensibly healthy population. It had not been previously curated by ICSL or reported in the Human Gene Mutation Database (HGMD: prior to June 1st, 2018), and was therefore a candidate for classification through an automated scoring system. Utilizing variant allele frequency, disease prevalence and penetrance estimates, and inheritance mode, an automated score was calculated to assess if this variant is too frequent to cause the disease. Based on the score and internal cut-off values, a variant classified as benign is not then subjected to further curation. The score for this variant resulted in a classification of benign for this disease.

Breakthrough Genomics
Classification: Benign. Review status: criteria provided, single submitter. Criteria: ACMG Guidelines, 2015. Collection method: not provided. Allele origin: germline. Inheritance: Autosomal recessive inheritance. Affected: yes.